The following is an entry in ClinVar:

NM_000138.5(FBN1):c.8092G>T (p.Glu2698Ter)

Gene: FBN1 (fibrillin 1; minus strand). Cytogenetic location: 15q21.1.
Variant type: single nucleotide variant.
Coding change: c.8092G>T on transcript NM_000138.5 (MANE Select); coding-DNA position 8092, G replaced by T.
Protein change: p.Glu2698Ter; replaces glutamic acid 2698 with a stop codon.
Molecular consequence: nonsense.
Genome position (GRCh38, 1-based): chr15:48,412,703, C>A on the plus strand (G>T on the coding strand, the complement: FBN1 is on the minus strand). VCF-style: chr15-48412703-C-A. GRCh37 (hg19) VCF-style: chr15-48704900-C-A.
Other names: short protein forms E2698*.
Identifiers: ClinVar variation 665604 (VCV000665604.6), dbSNP rs1597507783, ClinGen allele CA392321513.

ClinVar aggregate classification (germline): Pathogenic (1 of 4 stars; one submission).

Conditions:
Familial thoracic aortic aneurysm and aortic dissection (TAAD). Also called: Thoracic aortic aneurysms and dissections. Identifiers: Orphanet 91387, MedGen C4707243, MONDO:0019625.
Marfan syndrome (MFS). Also called: FBN1-Related Marfan Syndrome; Marfan syndrome type 1; Marfan's syndrome; Marfan syndrome, classic; MARFAN SYNDROME, TYPE I. Identifiers: Orphanet 284963, Orphanet 558, MedGen C0024796, MONDO:0007947, OMIM 154700.

Submission:

Labcorp Genetics (formerly Invitae), Labcorp
Classification: Pathogenic for Marfan syndrome; Familial thoracic aortic aneurysm and aortic dissection. Last evaluated: 2018-07-09. Review status: criteria provided, single submitter. Criteria: Invitae Variant Classification Sherloc (09022015). Collection method: clinical testing. Allele origin: germline.
Comment: For these reasons, this variant has been classified as Pathogenic. Loss-of-function variants in FBN1 are known to be pathogenic (PMID: 17657824, 19293843). This variant is not present in population databases (ExAC no frequency). This sequence change creates a premature translational stop signal (p.Glu2698*) in the FBN1 gene. It is expected to result in an absent or disrupted protein product. This variant has not been reported in the literature in individuals with FBN1-related disease.

Literature cited by the submitters: PubMed 17657824; PubMed 19293843.